The following is an entry in ClinVar:

NM_004287.5(GOSR2):c.29+1G>A

Genes: GOSR2 (golgi SNAP receptor complex member 2; plus strand), LRRC37A2 (leucine rich repeat containing 37 member A2). Cytogenetic location: 17q21.32.
Variant type: single nucleotide variant.
Coding change: c.29+1G>A on transcript NM_004287.5 (MANE Select); the canonical splice donor site of the intron after coding-DNA position 29, G replaced by A.
Molecular consequence: splice donor variant. On other transcripts: 5 prime UTR variant (2).
Genome position (GRCh38, 1-based): chr17:46,923,222, G>A. VCF-style: chr17-46923222-G-A. GRCh37 (hg19) VCF-style: chr17-45000588-G-A.
Other names: c.-73G>A (NM_001321134.2); c.-436G>A (NM_001363851.2); c.29+1G>A (NM_001321133.2, NM_054022.4, NM_001330252.2 and 4 more transcripts).
Identifiers: ClinVar variation 265531 (VCV000265531.2), dbSNP rs886039603, ClinGen allele CA10588661.
Genomic context (GRCh38, chr17:46,923,222, plus strand): 5'-AGCCGGAGCCGTGGCCTGCGGGGCCGGCGACATGGATCCCCTGTTCCAGCAAACGCACAA[G>A]TGAGGGCCGGTCGGGGAGCGGGCAGGGGCTAGACGAGGCGAGGCCAGGTGAGCCTGGCTT-3'

ClinVar aggregate classification (germline): Likely pathogenic (1 of 4 stars; one submission).

Allele frequency attached by ClinVar (database versions not stated): gnomAD exomes below 0.00001; gnomAD 0.00001.
gnomAD v4.1: 4 of 1,550,972 alleles (0.00026%); highest among the groups gnomAD compares: Non-Finnish European, 0.00035%; no homozygotes.

Submission:

GeneDx
Classification: Likely pathogenic. Last evaluated: 2015-12-24. Review status: criteria provided, single submitter. Criteria: GeneDx Variant Classification (06012015). Collection method: clinical testing. Allele origin: germline. Affected: yes.
Comment: The c.29+1 G>A likely pathogenic variant has not been published as a pathogenic variant, nor has it been reported as a benign variant to our knowledge. It was not observed in approximately 5,000 individuals of European and African American ancestry in the NHLBI Exome Sequencing Project, indicating it is not a common benign variant in these populations. The c.29+1 G>A splice site variant destroys the canonical splice donor site in intron 1. It is predicted to cause abnormal gene splicing, either leading to an abnormal message that is subject to nonsense-mediated mRNA decay, or to an abnormal protein product if the message is used for protein translation. Therefore, this variant is likely pathogenic; however, the possibility that it is benign cannot be excluded.